The following is an entry in ClinVar:

NM_001319074.4(RAX2):c.33C>T (p.Thr11=)

Gene: RAX2 (retina and anterior neural fold homeobox 2; minus strand). Cytogenetic location: 19p13.3.
Variant type: single nucleotide variant.
Coding change: c.33C>T on transcript NM_001319074.4 (MANE Select); coding-DNA position 33, C replaced by T.
Protein change: p.Thr11=; no amino-acid change (threonine 11 retained).
Molecular consequence: synonymous variant.
Genome position (GRCh38, 1-based): chr19:3,771,710, G>A on the plus strand (C>T on the coding strand, the complement: RAX2 is on the minus strand). VCF-style: chr19-3771710-G-A. GRCh37 (hg19) VCF-style: chr19-3771708-G-A.
Other names: c.33C>T (NM_032753.3); c.33C>T, p.Thr11= (NM_032753.4).
Identifiers: ClinVar variation 1150393 (VCV001150393.11), dbSNP rs149515429, ClinGen allele CA9085138.

ClinVar aggregate classification (germline): Likely benign. Review status: criteria provided, multiple submitters, no conflicts (2 of 4 stars). 3 submissions from 3 submitters: Likely benign (3). Last evaluated 2025-12-01.

Conditions:
RAX2-related disorder. Also called: RAX2-related condition; RAX2-related disorders.

Allele frequency attached by ClinVar (database versions not stated): gnomAD 0.00038; 1000 Genomes Project 0.00040; TOPMed 0.00042; 1000 Genomes Project 30x 0.00047; gnomAD exomes 0.00012; ExAC 0.00014; ESP Exome Variant Server 0.00038.

Submissions (3):

Labcorp Genetics (formerly Invitae), Labcorp
Classification: Likely benign. Last evaluated: 2025-12-01. Review status: criteria provided, single submitter. Criteria: Invitae Variant Classification Sherloc (09022015). Collection method: clinical testing. Allele origin: germline.

PreventionGenetics, part of Exact Sciences
Classification: Likely benign for RAX2-related condition. Last evaluated: 2025-09-23. Review status: criteria provided, single submitter. Criteria: ACMG Guidelines, 2015. Collection method: clinical testing. Allele origin: germline.
Comment: This variant is classified as likely benign based on ACMG/AMP sequence variant interpretation guidelines (Richards et al. 2015 PMID: 25741868, with internal and published modifications).

Blueprint Genetics
Classification: Likely benign. Last evaluated: 2024-09-02. Review status: criteria provided, single submitter. Criteria: ACMG Guidelines, 2015. Collection method: clinical testing. Allele origin: germline.